The following is an entry in ClinVar:

NM_004370.6(COL12A1):c.7340T>C (p.Val2447Ala)

Genes: COL12A1 (collagen type XII alpha 1 chain; minus strand), LOC126859712 (MED14-independent group 3 enhancer GRCh37_chr6:75828643-75829842; plus strand). Cytogenetic location: 6q13.
Variant type: single nucleotide variant.
Coding change: c.7340T>C on transcript NM_004370.6 (MANE Select); coding-DNA position 7340, T replaced by C.
Protein change: p.Val2447Ala; replaces valine 2447 with alanine.
Molecular consequence: missense variant.
Genome position (GRCh38, 1-based): chr6:75,119,057, A>G on the plus strand (T>C on the coding strand, the complement: COL12A1 is on the minus strand). VCF-style: chr6-75119057-A-G. GRCh37 (hg19) VCF-style: chr6-75828773-A-G.
Other names: c.7340T>C, p.Val2447Ala (NM_001424113.1); c.7319T>C, p.Val2440Ala (NM_001424114.1); c.7067T>C, p.Val2356Ala (NM_001424115.1); c.3848T>C, p.Val1283Ala (NM_001424116.1, NM_080645.3); c.7340T>C (NM_004370.5); short protein forms V1283A, V2356A, V2440A, V2447A.
Identifiers: ClinVar variation 3748668 (VCV003748668.3).

ClinVar aggregate classification (germline): Uncertain significance. Review status: criteria provided, multiple submitters, no conflicts (2 of 4 stars). 2 submissions from 2 submitters: Uncertain significance (2). Last evaluated 2025-05-10.

Conditions:
Ullrich congenital muscular dystrophy 2 (UCMD2). Identifiers: Orphanet 75840, MedGen C4225314, MONDO:0014654, OMIM 616470.
Bethlem myopathy 2 (BTHLM2). Identifiers: Orphanet 536516, Orphanet 610, MedGen C4225313, MONDO:0034022, OMIM 616471.

Submissions (2):

Labcorp Genetics (formerly Invitae), Labcorp
Classification: Uncertain significance for Bethlem myopathy 2; Ullrich congenital muscular dystrophy 2. Last evaluated: 2025-05-10. Review status: criteria provided, single submitter. Criteria: Invitae Variant Classification Sherloc (09022015). Collection method: clinical testing. Allele origin: germline.
Comment: This sequence change replaces valine, which is neutral and non-polar, with alanine, which is neutral and non-polar, at codon 2447 of the COL12A1 protein (p.Val2447Ala). This variant is not present in population databases (gnomAD no frequency). This variant has not been reported in the literature in individuals affected with COL12A1-related conditions. ClinVar contains an entry for this variant (Variation ID: 3748668). Invitae Evidence Modeling of protein sequence and biophysical properties (such as structural, functional, and spatial information, amino acid conservation, physicochemical variation, residue mobility, and thermodynamic stability) indicates that this missense variant is not expected to disrupt COL12A1 protein function with a negative predictive value of 80%. In summary, the available evidence is currently insufficient to determine the role of this variant in disease. Therefore, it has been classified as a Variant of Uncertain Significance.

GeneDx
Classification: Uncertain significance. Last evaluated: 2024-10-06. Review status: criteria provided, single submitter. Criteria: GeneDx Variant Classification Process June 2021. Collection method: clinical testing. Allele origin: germline. Affected: yes.
Comment: Not observed at significant frequency in large population cohorts (gnomAD); In silico analysis indicates that this missense variant does not alter protein structure/function; Has not been previously published as pathogenic or benign to our knowledge